The following is an entry in ClinVar:

ClinVar aggregate classification (germline): Uncertain significance (1 of 4 stars; one submission).

Conditions:
Treacher Collins syndrome 1 (TCS1). Also called: TCOF1-Related Treacher Collins Syndrome. Identifiers: Orphanet 861, MedGen CN315775, MONDO:0007944, OMIM 154500.

Submission:

Labcorp Genetics (formerly Invitae), Labcorp
Classification: Uncertain significance for Treacher Collins syndrome 1. Last evaluated: 2023-09-27. Review status: criteria provided, single submitter. Criteria: Invitae Variant Classification Sherloc (09022015). Collection method: clinical testing. Allele origin: germline.
Comment: In summary, the available evidence is currently insufficient to determine the role of this variant in disease. Therefore, it has been classified as a Variant of Uncertain Significance. This sequence change replaces serine, which is neutral and polar, with arginine, which is basic and polar, at codon 1001 of the TCOF1 protein (p.Ser1001Arg). This variant is present in population databases (rs149702578, gnomAD 0.0009%). This variant has not been reported in the literature in individuals affected with TCOF1-related conditions. An algorithm developed to predict the effect of missense changes on protein structure and function (PolyPhen-2) suggests that this variant is likely to be disruptive.

NM_001371623.1(TCOF1):c.3003C>G (p.Ser1001Arg)

Gene: TCOF1 (treacle ribosome biogenesis factor 1; plus strand). Cytogenetic location: 5q32.
Variant type: single nucleotide variant.
Coding change: c.3003C>G on transcript NM_001371623.1 (MANE Select); coding-DNA position 3003, C replaced by G.
Protein change: p.Ser1001Arg; replaces serine 1001 with arginine.
Molecular consequence: missense variant.
Genome position (GRCh38, 1-based): chr5:150,388,045, C>G. VCF-style: chr5-150388045-C-G. GRCh37 (hg19) VCF-style: chr5-149767608-C-G.
Other names: c.2772C>G, p.Ser924Arg (NM_000356.4, NM_001135245.2); c.3003C>G, p.Ser1001Arg (NM_001135243.2, NM_001135244.2, NM_001195141.2); short protein forms S1001R, S924R.
Identifiers: ClinVar variation 2763501 (VCV002763501.3), dbSNP rs149702578, ClinGen allele CA3511363.